The following is an entry in ClinVar:

NM_007375.4(TARDBP):c.1157G>A (p.Gly386Glu)

Gene: TARDBP (TAR DNA binding protein; plus strand). Cytogenetic location: 1p36.22.
Variant type: single nucleotide variant.
Coding change: c.1157G>A on transcript NM_007375.4 (MANE Select); coding-DNA position 1157, G replaced by A.
Protein change: p.Gly386Glu; replaces glycine 386 with glutamic acid.
Molecular consequence: missense variant.
Genome position (GRCh38, 1-based): chr1:11,022,566, G>A. VCF-style: chr1-11022566-G-A. GRCh37 (hg19) VCF-style: chr1-11082623-G-A.
Other names: short protein forms G386E.
Identifiers: ClinVar variation 2082002 (VCV002082002.4), dbSNP rs2521343532, ClinGen allele CA338368417.

ClinVar aggregate classification (germline): Uncertain significance (1 of 4 stars; one submission).

Conditions:
Amyotrophic lateral sclerosis type 10 (ALS10). Also called: AMYOTROPHIC LATERAL SCLEROSIS 10 WITHOUT FRONTOTEMPORAL DEMENTIA AND WITH TDP43 INCLUSIONS; AMYOTROPHIC LATERAL SCLEROSIS 10 WITH OR WITHOUT FRONTOTEMPORAL DEMENTIA AND WITH TDP43 INCLUSIONS; AMYOTROPHIC LATERAL SCLEROSIS 10 WITH OR WITHOUT FRONTOTEMPORAL DEMENTIA; TARDBP-Related Amyotrophic Lateral Sclerosis-Frontotemporal Dementia; Amyotrophic lateral sclerosis 10, with or without FTD. Identifiers: Orphanet 275872, Orphanet 803, MedGen C2677565, MONDO:0012790, OMIM 612069.
FRONTOTEMPORAL LOBAR DEGENERATION WITH TDP43 INCLUSIONS, TARDBP-RELATED. Also called: Frontotemporal lobar degeneration, TARDBP-related. Identifiers: MedGen C3150169, OMIM 612069.

Allele frequency attached by ClinVar (database versions not stated): gnomAD exomes below 0.00001.
gnomAD v4.1: 1 of 1,582,516 alleles (0.000063%); highest among the groups gnomAD compares: Non-Finnish European, 0.000086%; no homozygotes.

Submission:

Labcorp Genetics (formerly Invitae), Labcorp
Classification: Uncertain significance for Amyotrophic lateral sclerosis type 10; FRONTOTEMPORAL LOBAR DEGENERATION WITH TDP43 INCLUSIONS, TARDBP-RELATED. Last evaluated: 2023-10-18. Review status: criteria provided, single submitter. Criteria: Invitae Variant Classification Sherloc (09022015). Collection method: clinical testing. Allele origin: germline.
Comment: This sequence change replaces glycine, which is neutral and non-polar, with glutamic acid, which is acidic and polar, at codon 386 of the TARDBP protein (p.Gly386Glu). This variant is not present in population databases (gnomAD no frequency). This missense change has been observed in individuals with clinical features of TARDBP-related conditions (PMID: 30586030; Invitae). ClinVar contains an entry for this variant (Variation ID: 2082002). An algorithm developed to predict the effect of missense changes on protein structure and function (PolyPhen-2) suggests that this variant is likely to be tolerated. In summary, the available evidence is currently insufficient to determine the role of this variant in disease. Therefore, it has been classified as a Variant of Uncertain Significance.

Literature cited by the submitters: PubMed 30586030.